The following is an entry in ClinVar:

NM_006096.4(NDRG1):c.82C>G (p.Gln28Glu)

Gene: NDRG1 (N-myc downstream regulated 1; minus strand). Cytogenetic location: 8q24.22.
Variant type: single nucleotide variant.
Coding change: c.82C>G on transcript NM_006096.4 (MANE Select); coding-DNA position 82, C replaced by G.
Protein change: p.Gln28Glu; replaces glutamine 28 with glutamic acid.
Molecular consequence: missense variant. On other transcripts: 5 prime UTR variant (2), intron variant (1).
Genome position (GRCh38, 1-based): chr8:133,280,249, G>C on the plus strand (C>G on the coding strand, the complement: NDRG1 is on the minus strand). VCF-style: chr8-133280249-G-C. GRCh37 (hg19) VCF-style: chr8-134292492-G-C.
Other names: c.82C>G, p.Gln28Glu (NM_001135242.2, NM_001374844.1, NM_001374845.1 and 1 more transcripts); c.-56C>G (NM_001258433.2); c.-117C>G (NM_001374847.1); c.-99-15597C>G (NM_001258432.2); short protein forms Q28E.
Identifiers: ClinVar variation 1762817 (VCV001762817.2), dbSNP rs2538118748, ClinGen allele CA372248052.

ClinVar aggregate classification (germline): Uncertain significance (1 of 4 stars; one submission).

Conditions:
Inborn genetic diseases. Identifiers: MedGen C0950123, MeSH D030342.

Submission:

Ambry Genetics
Classification: Uncertain significance for Inborn genetic diseases. Last evaluated: 2022-03-22. Review status: criteria provided, single submitter. Criteria: Ambry Variant Classification Scheme 2023. Collection method: clinical testing. Allele origin: germline.
Comment: The p.Q28E variant (also known as c.82C>G), located in coding exon 2 of the NDRG1 gene, results from a C to G substitution at nucleotide position 82. The glutamine at codon 28 is replaced by glutamic acid, an amino acid with highly similar properties. This amino acid position is conserved. In addition, this alteration is predicted to be tolerated by in silico analysis. Since supporting evidence is limited at this time, the clinical significance of this alteration remains unclear.